The following is an entry in ClinVar:

ClinVar aggregate classification (germline): Uncertain significance (1 of 4 stars; one submission).

Conditions:
Hereditary cancer-predisposing syndrome. Also called: Neoplastic Syndromes, Hereditary; Tumor predisposition; Hereditary Cancer Syndrome; Hereditary neoplastic syndrome. Identifiers: Orphanet 140162, MedGen C0027672, MeSH D009386, MONDO:0015356.

Allele frequency attached by ClinVar (database versions not stated): TOPMed below 0.00001.

Submission:

Ambry Genetics
Classification: Uncertain significance for Hereditary cancer-predisposing syndrome. Last evaluated: 2013-04-16. Review status: criteria provided, single submitter. Criteria: Ambry Autosomal Dominant and X-Linked criteria (10/2015). Collection method: clinical testing. Allele origin: germline. Observed: 1 variant allele.
Comment: Co-segregation data for this variant is currently unavailable. This variant has not been detected in conjunction with a pathogenic mutation to date. This nucleotide position is highly conserved in available vertebrate species.This splice prediction software does predict a deleterious effect on splicing.This splice prediction software does predict a deleterious effect on splicing.

NM_005591.4(MRE11):c.845+5G>A

Gene: MRE11 (MRE11 double strand break repair nuclease; minus strand). Cytogenetic location: 11q21.
Variant type: single nucleotide variant.
Coding change: c.845+5G>A on transcript NM_005591.4 (MANE Select); 5 bases into the intron after coding-DNA position 845, G replaced by A.
Molecular consequence: intron variant.
Genome position (GRCh38, 1-based): chr11:94,471,569, C>T on the plus strand (G>A on the coding strand, the complement: MRE11 is on the minus strand). VCF-style: chr11-94471569-C-T. GRCh37 (hg19) VCF-style: chr11-94204735-C-T.
Other names: c.845+5G>A (NM_001330347.2, NM_005590.4).
Identifiers: ClinVar variation 142229 (VCV000142229.3), dbSNP rs587782321, ClinGen allele CA167809.